The following is an entry in ClinVar:

ClinVar aggregate classification (germline): Uncertain significance (1 of 4 stars; one submission).

Submission:

Labcorp Genetics (formerly Invitae), Labcorp
Classification: Uncertain significance. Last evaluated: 2022-07-15. Review status: criteria provided, single submitter. Criteria: Invitae Variant Classification Sherloc (09022015). Collection method: clinical testing. Allele origin: germline.
Comment: A copy number gain of the genomic region encompassing the full coding sequence of the ATAD1 gene has been identified. The boundaries of this event are unknown as they extend beyond the assayed region for this gene and therefore may encompass additional genes. As the precise location of this event is unknown, it may be in tandem or it may be located elsewhere in the genome. This variant has not been reported in the literature in individuals affected with ATAD1-related conditions. In summary, the available evidence is currently insufficient to determine the role of this variant in disease. Therefore, it has been classified as a Variant of Uncertain Significance.

NC_000010.10:g.(?_89468933)_(89574356_?)dup

Genes: ATAD1 (ATPase family AAA domain containing 1; minus strand), PAPSS2 (3'-phosphoadenosine 5'-phosphosulfate synthase 2; plus strand). Cytogenetic location: 10q23.2-23.31.
Variant type: Duplication.
Identifiers: ClinVar variation 2424128 (VCV002424128.3).